The following is an entry in ClinVar:

ClinVar aggregate classification (germline): Uncertain significance (1 of 4 stars; one submission).

Submission:

Labcorp Genetics (formerly Invitae), Labcorp
Classification: Uncertain significance. Last evaluated: 2022-09-18. Review status: criteria provided, single submitter. Criteria: Invitae Variant Classification Sherloc (09022015). Collection method: clinical testing. Allele origin: germline.
Comment: This variant has not been reported in the literature in individuals affected with DHX37-related conditions. Advanced modeling of protein sequence and biophysical properties (such as structural, functional, and spatial information, amino acid conservation, physicochemical variation, residue mobility, and thermodynamic stability) performed at Invitae indicates that this missense variant is expected to disrupt DHX37 protein function. In summary, the available evidence is currently insufficient to determine the role of this variant in disease. Therefore, it has been classified as a Variant of Uncertain Significance. This variant is not present in population databases (gnomAD no frequency). This sequence change replaces histidine, which is basic and polar, with glutamine, which is neutral and polar, at codon 679 of the DHX37 protein (p.His679Gln).

NM_032656.4(DHX37):c.2037C>G (p.His679Gln)

Gene: DHX37 (DEAH-box helicase 37; minus strand). Cytogenetic location: 12q24.31.
Variant type: single nucleotide variant.
Coding change: c.2037C>G on transcript NM_032656.4 (MANE Select); coding-DNA position 2037, C replaced by G.
Protein change: p.His679Gln; replaces histidine 679 with glutamine.
Molecular consequence: missense variant.
Genome position (GRCh38, 1-based): chr12:124,964,402, G>C on the plus strand (C>G on the coding strand, the complement: DHX37 is on the minus strand). VCF-style: chr12-124964402-G-C. GRCh37 (hg19) VCF-style: chr12-125448948-G-C.
Other names: short protein forms H679Q.
Identifiers: ClinVar variation 2031085 (VCV002031085.4), dbSNP rs1342618090, ClinGen allele CA387224226.